The following is an entry in ClinVar:

ClinVar aggregate classification (germline): Uncertain significance (1 of 4 stars; one submission).

Conditions:
Myofibrillar myopathy 4. Also called: Zaspopathy (type). Identifiers: Orphanet 98912, MedGen C4721886, MONDO:0012277, OMIM 609452.

Submission:

Labcorp Genetics (formerly Invitae), Labcorp
Classification: Uncertain significance for Myofibrillar myopathy 4. Last evaluated: 2025-12-09. Review status: criteria provided, single submitter. Criteria: Invitae Variant Classification Sherloc (09022015). Collection method: clinical testing. Allele origin: germline.
Comment: The LDB3 gene has multiple clinically relevant transcripts. This variant occurs in alternate transcript NM_007078.3, and corresponds to NM_001080116.1:c.*18592G>A (Non-coding) in the primary transcript. This sequence change replaces glycine, which is neutral and non-polar, with aspartic acid, which is acidic and polar, at codon 560 of the LDB3 protein (p.Gly560Asp). This variant is present in population databases (no rsID available, gnomAD 0.007%). This variant has not been reported in the literature in individuals affected with LDB3-related conditions. In summary, the available evidence is currently insufficient to determine the role of this variant in disease. Therefore, it has been classified as a Variant of Uncertain Significance.

NM_007078.3(LDB3):c.1679G>A (p.Gly560Asp)

Gene: LDB3 (LIM domain binding 3; plus strand). Cytogenetic location: 10q23.2.
Variant type: single nucleotide variant.
Coding change: c.1679G>A on transcript NM_007078.3 (MANE Select); coding-DNA position 1679, G replaced by A.
Protein change: p.Gly560Asp; replaces glycine 560 with aspartic acid.
Molecular consequence: missense variant.
Genome position (GRCh38, 1-based): chr10:86,717,966, G>A. VCF-style: chr10-86717966-G-A. GRCh37 (hg19) VCF-style: chr10-88477723-G-A.
Other names: c.1349G>A, p.Gly450Asp (NM_001080114.2); c.1694G>A, p.Gly565Asp (NM_001171610.2); c.1490G>A, p.Gly497Asp (NM_001368064.1, NM_001368065.1); c.1538G>A, p.Gly513Asp (NM_001368066.1); short protein forms G513D, G565D, G450D, G560D, G497D.
Identifiers: ClinVar variation 3708748 (VCV003708748.2).